The following is an entry in ClinVar:

ClinVar aggregate classification (germline): Conflicting classifications of pathogenicity. Review status: criteria provided, conflicting classifications (1 of 4 stars). 7 submissions from 6 submitters: Uncertain significance (3); Likely benign (3). 1 of the submissions does not count toward it. Last evaluated 2026-07-01.

Conditions:
Inborn genetic diseases. Identifiers: MedGen C0950123, MeSH D030342.
Ocular cystinosis. Also called: Non-Nephropathic (Ocular) Cystinosis; Non-Nephropathic Cystinosis. Identifiers: Orphanet 213, Orphanet 411641, MedGen C2931013, MONDO:0009064, OMIM 219750.
Juvenile nephropathic cystinosis. Also called: Intermediate Cystinosis; CYSTINOSIS, LATE-ONSET JUVENILE OR ADOLESCENT NEPHROPATHIC TYPE; Later-Onset (Juvenile) Cystinosis. Identifiers: Orphanet 213, Orphanet 411634, MedGen C0268626, MONDO:0009066, OMIM 219900.
Cystinosis. Also called: Cystine diathesis; Cystine storage disease; Cystinoses. Identifiers: Orphanet 213, MedGen C4316899, MONDO:0016239.
Nephropathic cystinosis (CTNS). Also called: CYSTINOSIN, DEFECT OF; LYSOSOMAL CYSTINE TRANSPORT PROTEIN, DEFECT OF; Abderhalden Lignac Kaufmann disease; Abderhalden-Kaufmann-Lignac syndrome. Identifiers: Orphanet 213, Orphanet 411629, MedGen C2931187, MONDO:0100151, OMIM 219800.

Allele frequency attached by ClinVar (database versions not stated): ExAC 0.00020; TOPMed 0.00026; ESP Exome Variant Server 0.00031; gnomAD exomes 0.00032 and 0.00034; gnomAD 0.00039 and 0.00040.
gnomAD v4.1: 565 of 1,611,828 alleles (0.035%); highest among the groups gnomAD compares: Non-Finnish European, 0.032%; 2 homozygotes.

Submissions (7):

CeGaT Center for Human Genetics Tuebingen
Classification: Likely benign. Last evaluated: 2026-07-01. Review status: criteria provided, single submitter. Criteria: CeGaT Center For Human Genetics Tuebingen Variant Classification Criteria Version 2. Collection method: clinical testing. Allele origin: germline. Affected: yes. Observed: 1 variant allele.
Comment: CTNS: BP4

Labcorp Genetics (formerly Invitae), Labcorp
Classification: Likely benign for Inborn genetic diseases; Ocular cystinosis; Juvenile nephropathic cystinosis. Last evaluated: 2026-01-14. Review status: criteria provided, single submitter. Criteria: Invitae Variant Classification Sherloc (09022015). Collection method: clinical testing. Allele origin: germline.

Illumina Laboratory Services, Illumina
Classification: Uncertain significance for Ocular cystinosis. Last evaluated: 2018-01-13. Review status: criteria provided, single submitter. Criteria: ICSL Variant Classification Criteria 13 December 2019. Collection method: clinical testing. Allele origin: germline.

Illumina Laboratory Services, Illumina
Classification: Uncertain significance for Nephropathic cystinosis. Last evaluated: 2018-01-13. Review status: criteria provided, single submitter. Criteria: ICSL Variant Classification Criteria 13 December 2019. Collection method: clinical testing. Allele origin: germline.

Eurofins Ntd Llc (ga)
Classification: Uncertain significance. Last evaluated: 2016-06-29. Review status: criteria provided, single submitter. Criteria: EGL Classification Definitions 2015. Collection method: clinical testing. Allele origin: germline. Observed: 1 variant allele, 1 heterozygote.

PreventionGenetics, part of Exact Sciences
Classification: Likely benign. Review status: criteria provided, single submitter. Criteria: ACMG Guidelines, 2015. Collection method: clinical testing. Allele origin: germline.

Natera, Inc.
Classification: Uncertain significance for Cystinosis. Last evaluated: 2020-04-21. Review status: no assertion criteria provided. Collection method: clinical testing. Allele origin: germline. Not counted in ClinVar's aggregate classification.

NM_004937.3(CTNS):c.561+4C>T

Genes: CTNS (cystinosin, lysosomal cystine transporter; plus strand), CTNS-AS1 (CTNS antisense RNA 1; minus strand). Cytogenetic location: 17p13.2.
Variant type: single nucleotide variant.
Coding change: c.561+4C>T on transcript NM_004937.3 (MANE Select); 4 bases into the intron after coding-DNA position 561, C replaced by T.
Molecular consequence: intron variant.
Genome position (GRCh38, 1-based): chr17:3,656,590, C>T. VCF-style: chr17-3656590-C-T. GRCh37 (hg19) VCF-style: chr17-3559884-C-T.
Other names: c.561+4C>T (NM_001031681.3, NM_001374492.1); c.120+4C>T (NM_001374493.1, NM_001374495.1, NM_001374494.1 and 1 more transcripts).
Identifiers: ClinVar variation 257156 (VCV000257156.24), dbSNP rs111256750, ClinGen allele CA8291775.